The following is an entry in ClinVar:

NM_000431.4(MVK):c.58C>A (p.His20Asn)

Gene: MVK (mevalonate kinase; plus strand). Cytogenetic location: 12q24.11.
Variant type: single nucleotide variant.
Coding change: c.58C>A on transcript NM_000431.4 (MANE Select); coding-DNA position 58, C replaced by A.
Protein change: p.His20Asn; replaces histidine 20 with asparagine.
Molecular consequence: missense variant.
Genome position (GRCh38, 1-based): chr12:109,574,880, C>A. VCF-style: chr12-109574880-C-A. GRCh37 (hg19) VCF-style: chr12-110012685-C-A.
Other names: c.58C>A, p.His20Asn (NM_001114185.3, NM_001301182.2); short protein forms H20N.
Identifiers: ClinVar variation 649235 (VCV000649235.10), dbSNP rs11544299, ClinGen allele CA243452160.

ClinVar aggregate classification (germline): Pathogenic. Review status: criteria provided, multiple submitters, no conflicts (2 of 4 stars). 2 submissions from 2 submitters: Pathogenic (2). Last evaluated 2024-11-18.

Conditions:
Mevalonic aciduria (MEVA). Identifiers: Orphanet 29, MedGen C1959626, MONDO:0012481, OMIM 610377.
Hyperimmunoglobulin D with periodic fever (HIDS). Also called: HYPERIMMUNOGLOBULINEMIA D AND PERIODIC FEVER SYNDROME; Hyperimmunoglobulinemia D; Hyperimmunoglobulinemia D with periodic fever. Identifiers: Orphanet 343, MedGen C0398691, MONDO:0009849, OMIM 260920.
Porokeratosis 3, disseminated superficial actinic type (POROK3). Also called: POROKERATOSIS 3, MULTIPLE TYPES; POROKERATOSIS 3, MIBELLI TYPE; POROKERATOSIS, DISSEMINATED SUPERFICIAL ACTINIC, 1. Identifiers: MedGen C1867981, MONDO:0008293, OMIM 175900.

Allele frequency attached by ClinVar (database versions not stated): gnomAD exomes below 0.00001; TOPMed below 0.00001; gnomAD 0.00001.
gnomAD v4.1: 6 of 1,609,990 alleles (0.00037%); highest among the groups gnomAD compares: Admixed American, 0.0017%; no homozygotes.

Submissions (2):

Labcorp Genetics (formerly Invitae), Labcorp
Classification: Pathogenic for Mevalonic aciduria; Hyperimmunoglobulin D with periodic fever; Porokeratosis 3, disseminated superficial actinic type. Last evaluated: 2024-11-18. Review status: criteria provided, single submitter. Criteria: Invitae Variant Classification Sherloc (09022015). Collection method: clinical testing. Allele origin: germline.
Comment: This sequence change replaces histidine, which is basic and polar, with asparagine, which is neutral and polar, at codon 20 of the MVK protein (p.His20Asn). This variant is present in population databases (rs11544299, gnomAD 0.1%). This missense change has been observed in individual(s) with MVK-related conditions (PMID: 11313769, 27213830, 28501347). In at least one individual the data is consistent with being in trans (on the opposite chromosome) from a pathogenic variant. ClinVar contains an entry for this variant (Variation ID: 649235). Invitae Evidence Modeling of protein sequence and biophysical properties (such as structural, functional, and spatial information, amino acid conservation, physicochemical variation, residue mobility, and thermodynamic stability) indicates that this missense variant is expected to disrupt MVK protein function with a positive predictive value of 95%. This variant disrupts the p.His20 amino acid residue in MVK. Other variant(s) that disrupt this residue have been observed in individuals with MVK-related conditions (PMID: 10369261, 15536479, 16835861, 27213830, 29047407), which suggests that this may be a clinically significant amino acid residue. For these reasons, this variant has been classified as Pathogenic.

Fulgent Genetics
Classification: Pathogenic for Porokeratosis 3, disseminated superficial actinic type; Hyperimmunoglobulin D with periodic fever; Mevalonic aciduria. Last evaluated: 2024-01-30. Review status: criteria provided, single submitter. Criteria: ACMG Guidelines, 2015. Collection method: clinical testing. Allele origin: germline.

Literature cited by the submitters: PubMed 11313769 (cited by Labcorp Genetics (formerly Invitae), Labcorp); PubMed 27213830 (cited by Labcorp Genetics (formerly Invitae), Labcorp); PubMed 28501347 (cited by Labcorp Genetics (formerly Invitae), Labcorp); PubMed 10369261 (cited by Labcorp Genetics (formerly Invitae), Labcorp); PubMed 15536479 (cited by Labcorp Genetics (formerly Invitae), Labcorp); PubMed 16835861 (cited by Labcorp Genetics (formerly Invitae), Labcorp); PubMed 29047407 (cited by Labcorp Genetics (formerly Invitae), Labcorp).